The following is an entry in ClinVar:

NC_012920.1(MT-ND2):m.4735C>G

Gene: MT-ND2 (mitochondrially encoded NADH dehydrogenase 2; plus strand).
Variant type: single nucleotide variant.
Genome position: chrM-4735-C-G.
Other names: NC_012920.1:m.4735C>G.
Identifiers: ClinVar variation 1328512 (VCV001328512.1), dbSNP rs1603219589, ClinGen allele CA414775553.

ClinVar aggregate classification (germline): Uncertain significance (3 of 4 stars; one submission).

Conditions:
Mitochondrial disease. Also called: Mitochondrial disorders; Mitochondrial disorder. Identifiers: Orphanet 68380, MedGen C0751651, MeSH D028361, MONDO:0044970.

Submission:

ClinGen Mitochondrial Disease Nuclear and Mitochondrial  Variant Curation Expert Panel, ClinGen
Classification: Uncertain significance for Mitochondrial disease. Last evaluated: 2021-12-10. Review status: reviewed by expert panel. Criteria: clingen mito disease acmg specifications v1-1. Collection method: curation. Allele origin: germline. Inheritance: Mitochondrial inheritance.
Comment: The m.4735C>G (p.T89N) variant in MT-ND2 was reviewed by the Mitochondrial Disease Nuclear and Mitochondrial Variant Curation Expert Panel as part of the variant pilot for mitochondrial DNA variant specifications (McCormick et al., 2020; PMID: 32906214). There have been no affected individuals reported in the medical literature to our knowledge. There are no large families reported in the medical literature to consider for evidence of segregation. This variant is absent in population databases (PM2_supporting, most recently queried 3/22/2021). In silico tools (APOGEE) predict this variant to be neutral with a score of 0.31 (BP4). There are no cybrid or single fiber studies reported on this variant. In summary, this variant meets criteria to be classified as uncertain significance for primary mitochondrial disease inherited in a mitochondrial manner. This classification was approved by the NICHD U24 Mitochondrial Disease Variant Curation Expert Panel as of August 20, 2020. Mitochondrial DNA-specific ACMG/AMP criteria applied: PM2_supporting, BP4.